The following is an entry in ClinVar:

ClinVar aggregate classification (germline): Uncertain significance (1 of 4 stars; one submission).

Conditions:
Multiple endocrine neoplasia, type 2 (MEN2). Identifiers: Orphanet 653, MedGen C4048306, MONDO:0019003. Disease mechanism: gain of function.

Submission:

Labcorp Genetics (formerly Invitae), Labcorp
Classification: Uncertain significance for Multiple endocrine neoplasia, type 2. Last evaluated: 2018-11-22. Review status: criteria provided, single submitter. Criteria: Invitae Variant Classification Sherloc (09022015). Collection method: clinical testing. Allele origin: germline.
Comment: Algorithms developed to predict the effect of missense changes on protein structure and function are either unavailable or do not agree on the potential impact of this missense change (SIFT: "Tolerated"; PolyPhen-2: "Probably Damaging"; Align-GVGD: "Class C0"). In summary, the available evidence is currently insufficient to determine the role of this variant in disease. Therefore, it has been classified as a Variant of Uncertain Significance. This variant has not been reported in the literature in individuals with RET-related conditions. This variant is not present in population databases (ExAC no frequency). This sequence change replaces tyrosine with histidine at codon 408 of the RET protein (p.Tyr408His). The tyrosine residue is highly conserved and there is a moderate physicochemical difference between tyrosine and histidine.

NM_020975.6(RET):c.1222T>C (p.Tyr408His)

Gene: RET (ret proto-oncogene; plus strand). Cytogenetic location: 10q11.21.
Variant type: single nucleotide variant.
Coding change: c.1222T>C on transcript NM_020975.6 (MANE Select); coding-DNA position 1222, T replaced by C.
Protein change: p.Tyr408His; replaces tyrosine 408 with histidine.
Molecular consequence: missense variant.
Genome position (GRCh38, 1-based): chr10:43,109,189, T>C. VCF-style: chr10-43109189-T-C. GRCh37 (hg19) VCF-style: chr10-43604637-T-C.
Other names: c.1222T>C, p.Tyr408His (NM_000323.2, NM_001406743.1, NM_001406744.1 and 6 more transcripts); c.460T>C, p.Tyr154His (NM_001355216.2); c.1093T>C, p.Tyr365His (NM_001406761.1, NM_001406762.1, NM_001406764.1 and 1 more transcripts); c.934T>C, p.Tyr312His (NM_001406766.1, NM_001406767.1, NM_001406770.1); c.784T>C, p.Tyr262His (NM_001406771.1, NM_001406773.1); c.496T>C, p.Tyr166His (NM_001406775.1, NM_001406776.1, NM_001406777.1 and 1 more transcripts); c.232T>C, p.Tyr78His (NM_001406784.1); short protein forms Y154H, Y408H, Y166H, Y78H, Y262H, Y365H, Y312H.
Identifiers: ClinVar variation 661224 (VCV000661224.10), dbSNP rs778754580, ClinGen allele CA376547899.